The following is an entry in ClinVar:

NM_130384.3(ATRIP):c.1249G>T (p.Val417Leu)

Genes: ATRIP (ATR interacting protein; plus strand), ATRIP-TREX1 (ATRIP-TREX1 readthrough; plus strand). Cytogenetic location: 3p21.31.
Variant type: single nucleotide variant.
Coding change: c.1249G>T on transcript NM_130384.3 (MANE Select); coding-DNA position 1249, G replaced by T.
Protein change: p.Val417Leu; replaces valine 417 with leucine.
Molecular consequence: missense variant. On other transcripts: non-coding transcript variant (1).
Genome position (GRCh38, 1-based): chr3:48,460,303, G>T. VCF-style: chr3-48460303-G-T. GRCh37 (hg19) VCF-style: chr3-48501702-G-T.
Other names: c.868G>T, p.Val290Leu (NM_001271022.2); c.970G>T, p.Val324Leu (NM_001271023.2); c.1249G>T, p.Val417Leu (NM_032166.4); short protein forms V417L, V324L, V290L.
Identifiers: ClinVar variation 4182049 (VCV004182049.1).

ClinVar aggregate classification (germline): Uncertain significance (1 of 4 stars; one submission).

Submission:

Ambry Genetics
Classification: Uncertain significance. Last evaluated: 2025-07-10. Review status: criteria provided, single submitter. Criteria: Ambry Variant Classification Scheme 2023. Collection method: clinical testing. Allele origin: germline.
Comment: The p.V417L variant (also known as c.1249G>T), located in coding exon 8 of the ATRIP gene, results from a G to T substitution at nucleotide position 1249. The valine at codon 417 is replaced by leucine, an amino acid with highly similar properties. This amino acid position is conserved. In addition, this alteration is predicted to be tolerated by in silico analysis. Based on the available evidence, the clinical significance of this variant remains unclear.